The following is an entry in ClinVar:

ClinVar aggregate classification (germline): Conflicting classifications of pathogenicity. Review status: criteria provided, conflicting classifications (1 of 4 stars). 6 submissions from 6 submitters: Uncertain significance (4); Benign (1). 1 of the submissions does not count toward it. Last evaluated 2025-09-15.

Conditions:
Hereditary cancer-predisposing syndrome. Also called: Tumor predisposition; Hereditary Cancer Syndrome; Hereditary neoplastic syndrome; Neoplastic Syndromes, Hereditary. Identifiers: Orphanet 140162, MedGen C0027672, MeSH D009386, MONDO:0015356.
Familial adenomatous polyposis 2. Also called: COLORECTAL ADENOMATOUS POLYPOSIS, AUTOSOMAL RECESSIVE; MUTYH Polyposis; MUTYH-associated polyposis; MUTYH-related attenuated familial adenomatous polyposis; Adenomas, multiple colorectal; ADENOMAS, MULTIPLE COLORECTAL, AUTOSOMAL RECESSIVE. Identifiers: Orphanet 220460, Orphanet 247798, MedGen C3272841, MONDO:0012041, OMIM 608456.

Allele frequency attached by ClinVar (database versions not stated): ExAC 0.00002; TOPMed below 0.00001; gnomAD 0.00001; gnomAD exomes 0.00001.
gnomAD v4.1: 16 of 1,614,010 alleles (0.00099%); highest among the groups gnomAD compares: Non-Finnish European, 0.0013%; no homozygotes.

Submissions (6):

Ambry Genetics
Classification: Benign for Hereditary cancer-predisposing syndrome. Last evaluated: 2025-09-15. Review status: criteria provided, single submitter. Criteria: Ambry Variant Classification Scheme 2023. Collection method: clinical testing. Allele origin: germline.

Labcorp Genetics (formerly Invitae), Labcorp
Classification: Uncertain significance for Familial adenomatous polyposis 2. Last evaluated: 2025-08-05. Review status: criteria provided, single submitter. Criteria: Invitae Variant Classification Sherloc (09022015). Collection method: clinical testing. Allele origin: germline.
Comment: This sequence change replaces alanine, which is neutral and non-polar, with threonine, which is neutral and polar, at codon 240 of the MUTYH protein (p.Ala240Thr). This variant is present in population databases (rs774237159, gnomAD 0.002%). This variant has not been reported in the literature in individuals affected with MUTYH-related conditions. ClinVar contains an entry for this variant (Variation ID: 406859). An algorithm developed to predict the effect of missense changes on protein structure and function outputs the following: PolyPhen-2: "Benign". The threonine amino acid residue is found in multiple mammalian species, which suggests that this missense change does not adversely affect protein function. In summary, the available evidence is currently insufficient to determine the role of this variant in disease. Therefore, it has been classified as a Variant of Uncertain Significance.

Baylor Genetics
Classification: Uncertain significance for Familial adenomatous polyposis 2. Last evaluated: 2024-02-18. Review status: criteria provided, single submitter. Criteria: ACMG Guidelines, 2015. Collection method: clinical testing. Allele origin: unknown.

Institute for Biomarker Research, Medical Diagnostic Laboratories, L.L.C.
Classification: Uncertain significance for Hereditary cancer-predisposing syndrome. Last evaluated: 2023-01-24. Review status: criteria provided, single submitter. Criteria: ACMG Guidelines, 2015. Collection method: clinical testing. Allele origin: germline.

GeneDx
Classification: Uncertain significance. Last evaluated: 2022-04-20. Review status: criteria provided, single submitter. Criteria: GeneDx Variant Classification Process June 2021. Collection method: clinical testing. Allele origin: germline. Affected: yes.
Comment: Not observed at significant frequency in large population cohorts (gnomAD); In silico analysis supports that this missense variant does not alter protein structure/function; Has not been previously published as pathogenic or benign to our knowledge; This variant is associated with the following publications: (PMID: 23108399, 11801590)

Department of Pathology and Laboratory Medicine, Sinai Health System
Classification: Uncertain significance. Review status: no assertion criteria provided. Collection method: clinical testing. Allele origin: unknown. Affected: yes. Observed: 1 variant allele. Study: The Canadian Open Genetics Repository (COGR). Not counted in ClinVar's aggregate classification.

NM_001048174.2(MUTYH):c.634G>A (p.Ala212Thr)

Gene: MUTYH (mutY DNA glycosylase; minus strand). Cytogenetic location: 1p34.1.
Variant type: single nucleotide variant.
Coding change: c.634G>A on transcript NM_001048174.2 (MANE Select); coding-DNA position 634, G replaced by A.
Protein change: p.Ala212Thr; replaces alanine 212 with threonine.
Molecular consequence: missense variant. On other transcripts: non-coding transcript variant (2).
Genome position (GRCh38, 1-based): chr1:45,332,461, C>T on the plus strand (G>A on the coding strand, the complement: MUTYH is on the minus strand). VCF-style: chr1-45332461-C-T. GRCh37 (hg19) VCF-style: chr1-45798133-C-T.
Other names: c.634G>A, p.Ala212Thr (NM_001048171.2, NM_001048173.2, NM_001293195.2); c.637G>A, p.Ala213Thr (NM_001048172.2); c.718G>A, p.Ala240Thr (NM_001128425.2); c.679G>A, p.Ala227Thr (NM_001293190.2); c.667G>A, p.Ala223Thr (NM_001293191.2); c.358G>A, p.Ala120Thr (NM_001293192.2, NM_001293196.2); c.289G>A, p.Ala97Thr (NM_001350650.2, NM_001350651.2); c.709G>A, p.Ala237Thr (NM_012222.3); short protein forms A240T, A223T, A227T, A237T, A212T, A213T, A97T, A120T.
Identifiers: ClinVar variation 406859 (VCV000406859.21), dbSNP rs774237159, ClinGen allele CA058824.